The following is an entry in ClinVar:

NM_000260.4(MYO7A):c.4120G>A (p.Gly1374Arg)

Gene: MYO7A (myosin VIIA; plus strand). Cytogenetic location: 11q13.5.
Variant type: single nucleotide variant.
Coding change: c.4120G>A on transcript NM_000260.4 (MANE Select); coding-DNA position 4120, G replaced by A.
Protein change: p.Gly1374Arg; replaces glycine 1374 with arginine.
Molecular consequence: missense variant.
Genome position (GRCh38, 1-based): chr11:77,192,246, G>A. VCF-style: chr11-77192246-G-A. GRCh37 (hg19) VCF-style: chr11-76903291-G-A.
Other names: c.4120G>A, p.Gly1374Arg (NM_001127180.2); c.4087G>A, p.Gly1363Arg (NM_001369365.1); short protein forms G1374R, G1363R.
Identifiers: ClinVar variation 4750135 (VCV004750135.1).

ClinVar aggregate classification (germline): Uncertain significance (1 of 4 stars; one submission).

Submission:

Labcorp Genetics (formerly Invitae), Labcorp
Classification: Uncertain significance. Last evaluated: 2025-03-25. Review status: criteria provided, single submitter. Criteria: Invitae Variant Classification Sherloc (09022015). Collection method: clinical testing. Allele origin: germline.
Comment: This sequence change replaces glycine, which is neutral and non-polar, with arginine, which is basic and polar, at codon 1374 of the MYO7A protein (p.Gly1374Arg). This variant is not present in population databases (gnomAD no frequency). This missense change has been observed in individuals with Usher Syndrome (PMID: 31479088, 34948090). Invitae Evidence Modeling of protein sequence and biophysical properties (such as structural, functional, and spatial information, amino acid conservation, physicochemical variation, residue mobility, and thermodynamic stability) has been performed for this missense variant. However, the output from this modeling did not meet the statistical confidence thresholds required to predict the impact of this variant on MYO7A protein function. In summary, the available evidence is currently insufficient to determine the role of this variant in disease. Therefore, it has been classified as a Variant of Uncertain Significance.

Literature cited by the submitters: PubMed 31479088; PubMed 34948090.